The following is an entry in ClinVar:

ClinVar aggregate classification (germline): Uncertain significance (1 of 4 stars; one submission).

Conditions:
NOTCH1-related disorder. Also called: NOTCH1-related disorders; NOTCH1-related condition.

Submission:

PreventionGenetics, part of Exact Sciences
Classification: Uncertain significance for NOTCH1-related condition. Last evaluated: 2026-06-23. Review status: criteria provided, single submitter. Criteria: ACMG Guidelines, 2015. Collection method: clinical testing. Allele origin: germline.
Comment: The NOTCH1 c.5688G>C variant is predicted to result in the amino acid substitution p.Glu1896Asp. To our knowledge, this variant has not been reported in the literature or in a large population database (gnomAD), indicating this variant is rare. An alternate missense change at the same amino acid position (p.Glu1896Gln) has been reported in the heterozygous state in an individual with D-loop transposition of the great arteries (Extended Data Set 4, Sierant et al. 2025. PubMed ID: 40127276). At this time, the clinical significance of this variant is uncertain due to the absence of conclusive functional and genetic evidence.

NM_017617.5(NOTCH1):c.5688G>C (p.Glu1896Asp)

Gene: NOTCH1 (notch receptor 1; minus strand). Cytogenetic location: 9q34.3.
Variant type: single nucleotide variant.
Coding change: c.5688G>C on transcript NM_017617.5 (MANE Select); coding-DNA position 5688, G replaced by C.
Protein change: p.Glu1896Asp; replaces glutamic acid 1896 with aspartic acid.
Molecular consequence: missense variant.
Genome position (GRCh38, 1-based): chr9:136,500,798, C>G on the plus strand (G>C on the coding strand, the complement: NOTCH1 is on the minus strand). VCF-style: chr9-136500798-C-G. GRCh37 (hg19) VCF-style: chr9-139395250-C-G.
Other names: short protein forms E1896D.
Identifiers: ClinVar variation 4996326 (VCV004996326.1).